The following is an entry in ClinVar:

ClinVar aggregate classification (germline): Pathogenic (1 of 4 stars; one submission).

Conditions:
Inborn genetic diseases. Identifiers: MedGen C0950123, MeSH D030342.

Submission:

Ambry Genetics
Classification: Pathogenic for Inborn genetic diseases. Last evaluated: 2024-05-07. Review status: criteria provided, single submitter. Criteria: Ambry Variant Classification Scheme 2023. Collection method: clinical testing. Allele origin: germline.
Comment: The c.2839_2840delAT (p.M947Vfs*8) alteration, located in exon 2 (coding exon 1) of the FAT1 gene, consists of a deletion of 2 nucleotides from position 2839 to 2840, causing a translational frameshift with a predicted alternate stop codon after 8 amino acids. This alteration is expected to result in loss of function by premature protein truncation or nonsense-mediated mRNA decay. Based on data from gnomAD, this allele has an overall frequency of <0.001% (1/249234) total alleles studied. The highest observed frequency was 0.001% (1/112986) of European (non-Finnish) alleles. Based on the available evidence, this alteration is classified as pathogenic.

NM_005245.4(FAT1):c.2839_2840del (p.Met947fs)

Gene: FAT1 (FAT atypical cadherin 1; minus strand). Cytogenetic location: 4q35.2.
Variant type: Deletion.
Coding change: c.2839_2840del on transcript NM_005245.4 (MANE Select); coding-DNA positions 2839 to 2840, 2 bases deleted (AT; older notation c.2839_2840delAT).
Protein change: p.Met947fs; shifts the reading frame from methionine 947.
Molecular consequence: frameshift variant.
Genome position (GRCh38, 1-based): chr4:186,706,988-186,706,989, AT deleted on the plus strand (AT on the coding strand, the reverse complement: FAT1 is on the minus strand). VCF-style (leftmost placement, unchanged base first): chr4-186706987-CAT-C. GRCh37 (hg19) VCF-style: chr4-187628141-CAT-C.
Other names: short protein forms M947fs.
Identifiers: ClinVar variation 3277784 (VCV003277784.1).